The following is an entry in ClinVar:

NM_033305.3(VPS13A):c.9189+2506A>G

Gene: VPS13A (vacuolar protein sorting 13 homolog A; plus strand). Cytogenetic location: 9q21.2.
Variant type: single nucleotide variant.
Coding change: c.9189+2506A>G on transcript NM_033305.3 (MANE Select); 2506 bases into the intron after coding-DNA position 9189, A replaced by G.
Molecular consequence: intron variant. On other transcripts: synonymous variant (1).
Genome position (GRCh38, 1-based): chr9:77,384,593, A>G. VCF-style: chr9-77384593-A-G. GRCh37 (hg19) VCF-style: chr9-79999509-A-G.
Other names: c.9198A>G, p.Gln3066= (NM_015186.4); c.9072+2506A>G (NM_001018037.2); c.9198A>G (NM_015186.3).
Identifiers: ClinVar variation 2659270 (VCV002659270.26), dbSNP rs117258674, ClinGen allele CA5093922.

ClinVar aggregate classification (germline): Likely benign. Review status: criteria provided, multiple submitters, no conflicts (2 of 4 stars). 3 submissions from 3 submitters: Likely benign (2). 1 of the submissions does not count toward it. Last evaluated 2024-11-26.

Conditions:
VPS13A-related disorder. Also called: VPS13A-related condition.

Allele frequency attached by ClinVar (database versions not stated): 1000 Genomes Project 0.00080; 1000 Genomes Project 30x 0.00094; ESP Exome Variant Server 0.00115.
gnomAD v4.1: 881 of 1,611,488 alleles (0.055%); highest among the groups gnomAD compares: African/African-American, 0.21%; 2 homozygotes.

Submissions (3):

Blueprint Genetics
Classification: Likely benign. Last evaluated: 2024-11-26. Review status: criteria provided, single submitter. Criteria: ACMG Guidelines, 2015. Collection method: clinical testing. Allele origin: germline.

CeGaT Center for Human Genetics Tuebingen
Classification: Likely benign. Last evaluated: 2023-10-01. Review status: criteria provided, single submitter. Criteria: CeGaT Center For Human Genetics Tuebingen Variant Classification Criteria Version 2. Collection method: clinical testing. Allele origin: germline. Affected: yes. Observed: 1 variant allele.
Comment: VPS13A: BP4, BP7

PreventionGenetics, part of Exact Sciences
Classification: Likely benign for VPS13A-related condition. Last evaluated: 2019-06-25. Review status: no assertion criteria provided. Collection method: clinical testing. Allele origin: germline. Not counted in ClinVar's aggregate classification.
Comment: This variant is classified as likely benign based on ACMG/AMP sequence variant interpretation guidelines (Richards et al. 2015 PMID: 25741868, with internal and published modifications).